The following is an entry in ClinVar:

NM_006420.3(ARFGEF2):c.2814+20A>G

Gene: ARFGEF2 (ARF guanine nucleotide exchange factor 2; plus strand). Cytogenetic location: 20q13.13.
Variant type: single nucleotide variant.
Coding change: c.2814+20A>G on transcript NM_006420.3 (MANE Select); 20 bases into the intron after coding-DNA position 2814, A replaced by G.
Molecular consequence: intron variant.
Genome position (GRCh38, 1-based): chr20:48,989,704, A>G. VCF-style: chr20-48989704-A-G. GRCh37 (hg19) VCF-style: chr20-47606241-A-G.
Identifiers: ClinVar variation 510811 (VCV000510811.4), dbSNP rs201599602, ClinGen allele CA9898742.

ClinVar aggregate classification (germline): Likely benign. Review status: criteria provided, multiple submitters, no conflicts (2 of 4 stars). 2 submissions from 2 submitters: Likely benign (2). Last evaluated 2024-01-16.

Allele frequency attached by ClinVar (database versions not stated): gnomAD exomes 0.00003; ExAC 0.00004; TOPMed 0.00012; ESP Exome Variant Server 0.00015; gnomAD 0.00015 and 0.00016; 1000 Genomes Project 30x 0.00031; 1000 Genomes Project 0.00040.
gnomAD v4.1: 39 of 1,613,900 alleles (0.0024%); highest among the groups gnomAD compares: African/African-American, 0.039%; no homozygotes.

Submissions (2):

Labcorp Genetics (formerly Invitae), Labcorp
Classification: Likely benign. Last evaluated: 2024-01-16. Review status: criteria provided, single submitter. Criteria: Invitae Variant Classification Sherloc (09022015). Collection method: clinical testing. Allele origin: germline.

GeneDx
Classification: Likely benign. Last evaluated: 2017-07-17. Review status: criteria provided, single submitter. Criteria: GeneDx Variant Classification (06012015). Collection method: clinical testing. Allele origin: germline. Affected: yes.
Comment: This variant is considered likely benign or benign based on one or more of the following criteria: it is a conservative change, it occurs at a poorly conserved position in the protein, it is predicted to be benign by multiple in silico algorithms, and/or has population frequency not consistent with disease.